The following is an entry in ClinVar:

ClinVar aggregate classification (germline): Likely benign. Review status: criteria provided, multiple submitters, no conflicts (2 of 4 stars). 3 submissions from 3 submitters: Likely benign (3). Last evaluated 2026-01-31.

Conditions:
Familial adenomatous polyposis 1 (FAP1). Also called: FAMILIAL ADENOMATOUS POLYPOSIS 1, ATTENUATED; POLYPOSIS, ADENOMATOUS INTESTINAL. Identifiers: MedGen C2713442, MONDO:0021056, OMIM 175100. Disease mechanism: loss of function.
Hereditary cancer-predisposing syndrome. Also called: Hereditary neoplastic syndrome; Neoplastic Syndromes, Hereditary; Tumor predisposition; Hereditary Cancer Syndrome. Identifiers: Orphanet 140162, MedGen C0027672, MeSH D009386, MONDO:0015356.

Submissions (3):

Labcorp Genetics (formerly Invitae), Labcorp
Classification: Likely benign for Familial adenomatous polyposis 1. Last evaluated: 2026-01-31. Review status: criteria provided, single submitter. Criteria: Invitae Variant Classification Sherloc (09022015). Collection method: clinical testing. Allele origin: germline.

GeneDx
Classification: Likely benign. Last evaluated: 2017-04-10. Review status: criteria provided, single submitter. Criteria: GeneDx Variant Classification (06012015). Collection method: clinical testing. Allele origin: germline. Affected: yes.
Comment: This variant is considered likely benign or benign based on one or more of the following criteria: it is a conservative change, it occurs at a poorly conserved position in the protein, it is predicted to be benign by multiple in silico algorithms, and/or has population frequency not consistent with disease.

Color Diagnostics, LLC DBA Color Health
Classification: Likely benign for Hereditary cancer-predisposing syndrome. Last evaluated: 2016-08-08. Review status: criteria provided, single submitter. Criteria: ACMG Guidelines, 2015. Collection method: clinical testing. Allele origin: germline.

NM_000038.6(APC):c.1743+18_1743+106del

Gene: APC (APC regulator of Wnt signaling pathway; plus strand). Cytogenetic location: 5q22.2.
Variant type: Deletion.
Coding change: c.1743+18_1743+106del on transcript NM_000038.6 (MANE Select); bases 18 to 106 of the intron after coding-DNA position 1743, 89 bases deleted.
Molecular consequence: intron variant.
Genome position (GRCh38, 1-based): chr5:112,828,990-112,829,078, 89 bases deleted. GRCh37 (hg19): chr5:112,164,687-112,164,775.
Other names: c.1743+18_1743+106del (NM_001354895.2, NM_001127510.3); c.1773+18_1773+106del (NM_001354897.2); c.1470+18_1470+106del (NM_001354902.2); c.1689+18_1689+106del (NM_001127511.3); c.1668+18_1668+106del (NM_001354898.2); c.1365+18_1365+106del (NM_001354904.2); c.894+18_894+106del (NM_001354906.2); c.1797+18_1797+106del (NM_001354896.2); and 6 more.
Identifiers: ClinVar variation 422230 (VCV000422230.11), dbSNP rs1554082152, ClinGen allele CA029157.